The following is an entry in ClinVar:

NM_033305.3(VPS13A):c.4354_4356delinsAC (p.Ser1452fs)

Gene: VPS13A (vacuolar protein sorting 13 homolog A; plus strand). Cytogenetic location: 9q21.2.
Variant type: Indel.
Coding change: c.4354_4356delinsAC on transcript NM_033305.3 (MANE Select); coding-DNA positions 4354 to 4356, TCA replaced by AC.
Protein change: p.Ser1452fs; shifts the reading frame from serine 1452.
Molecular consequence: frameshift variant.
Genome position (GRCh38, 1-based): chr9:77,314,606-77,314,608, TCA replaced by AC. VCF-style: chr9-77314606-TCA-AC. GRCh37 (hg19) VCF-style: chr9-79929522-TCA-AC.
Other names: c.4237_4239delinsAC, p.Ser1413fs (NM_001018037.2); c.4354_4356delinsAC, p.Ser1452fs (NM_001018038.3, NM_015186.4); short protein forms S1413fs, S1452fs.
Identifiers: ClinVar variation 5010806 (VCV005010806.1).

ClinVar aggregate classification (germline): Pathogenic (1 of 4 stars; one submission).

Conditions:
VPS13A-related neurodegenerative disease. Also called: ACANTHOCYTOSIS WITH NEUROLOGIC DISORDER; LEVINE-CRITCHLEY SYNDROME; Choreoacanthocytosis; Chorea-acanthocytosis; Choreaacanthocytosis; VPS13A Disease. Identifiers: Orphanet 2388, MedGen C0393576, MONDO:0008695, OMIM 200150.

Submission:

Myriad Genetics, Inc.
Classification: Pathogenic for VPS13A-related neurodegenerative disease. Last evaluated: 2024-05-14. Review status: criteria provided, single submitter. Criteria: Myriad Autosomal Dominant, Autosomal Recessive and X-Linked Classification Criteria (2023). Collection method: clinical testing. Allele origin: unknown.
Comment: NM_033305.2(VPS13A):c.4354_4356delTCAinsAC(S1452Tfs*2) is expected to be pathogenic in the context of VPS13A disease. This variant is predicted to lead to an abnormal or absent protein product due to the creation of a premature termination codon in VPS13A, a gene where loss-of-function variants are known to be pathogenic. Please note: this variant was assessed in the context of healthy population screening.